The following is an entry in ClinVar:

NM_003072.5(SMARCA4):c.805C>A (p.Pro269Thr)

Gene: SMARCA4 (SWI/SNF related BAF chromatin remodeling complex subunit ATPase 4; plus strand). Cytogenetic location: 19p13.2.
Variant type: single nucleotide variant.
Coding change: c.805C>A on transcript NM_003072.5 (MANE Select); coding-DNA position 805, C replaced by A.
Protein change: p.Pro269Thr; replaces proline 269 with threonine.
Molecular consequence: missense variant. On other transcripts: non-coding transcript variant (1).
Genome position (GRCh38, 1-based): chr19:10,986,949, C>A. VCF-style: chr19-10986949-C-A. GRCh37 (hg19) VCF-style: chr19-11097625-C-A.
Other names: c.805C>A, p.Pro269Thr (NM_001128844.3, NM_001128845.2, NM_001128846.2 and 6 more transcripts); short protein forms P269T.
Identifiers: ClinVar variation 1761834 (VCV001761834.2), dbSNP rs759641262, ClinGen allele CA404057992.
Genomic context (GRCh38, chr19:10,986,949, plus strand): 5'-TTCTCCCTACATGTAGGTATGGGAGGGCCCAACATGCCTCCCCCAGGACCCTCGGGCGTG[C>A]CCCCCGGGATGCCAGGCCAGCCTCCTGGAGGGCCTCCCAAGCCCTGGCCTGAAGGTGAGC-3'
Protein context (NP_003063.2, residues 259-279): NMPPPGPSGV[Pro269Thr]PGMPGQPPGG

ClinVar aggregate classification (germline): Uncertain significance (1 of 4 stars; one submission).

Conditions:
Hereditary cancer-predisposing syndrome. Also called: Neoplastic Syndromes, Hereditary; Tumor predisposition; Hereditary Cancer Syndrome; Hereditary neoplastic syndrome. Identifiers: Orphanet 140162, MedGen C0027672, MeSH D009386, MONDO:0015356.

Submission:

Ambry Genetics
Classification: Uncertain significance for Hereditary cancer-predisposing syndrome. Last evaluated: 2022-02-23. Review status: criteria provided, single submitter. Criteria: Ambry Variant Classification Scheme 2023. Collection method: clinical testing. Allele origin: germline.
Comment: The p.P269T variant (also known as c.805C>A), located in coding exon 4 of the SMARCA4 gene, results from a C to A substitution at nucleotide position 805. The proline at codon 269 is replaced by threonine, an amino acid with highly similar properties. This amino acid position is highly conserved in available vertebrate species. In addition, the in silico prediction for this alteration is inconclusive. Missense and in-frame variants in SMARCA4 are known to cause neurodevelopmental disorders; however, such associations with rhabdoid tumor predisposition syndrome including small cell carcinoma of the ovary-hypercalcemic type (SCCOHT) are exceedingly rare (Kosho T et al. Am J Med Genet C Semin Med Genet. 2014 Sep;166C(3):262-75; Jelinic P et al. Nat Genet. 2014 May;46(5):424-6). Based on the supporting evidence, the association of this alteration with Coffin-Siris syndrome is unknown; however, the association of this alteration with rhabdoid tumor predisposition syndrome is unlikely.